The following is an entry in ClinVar:

ClinVar aggregate classification (germline): Uncertain significance (1 of 4 stars; one submission).

Conditions:
Familial episodic pain syndrome with predominantly lower limb involvement. Also called: Episodic pain syndrome, familial, 3. Identifiers: Orphanet 391384, Orphanet 391392, MedGen C3809899, MONDO:0014247, OMIM 615552.
Hereditary sensory and autonomic neuropathy type 7. Also called: HSAN VII; Neuropathy, hereditary sensory and autonomic, type VII. Identifiers: Orphanet 391397, MedGen C3809882, MONDO:0014244, OMIM 615548.

Allele frequency attached by ClinVar (database versions not stated): gnomAD exomes 0.00001.
gnomAD v4.1: 14 of 1,605,052 alleles (0.00087%); highest among the groups gnomAD compares: Non-Finnish European, 0.0012%; no homozygotes.

Submission:

Labcorp Genetics (formerly Invitae), Labcorp
Classification: Uncertain significance for Familial episodic pain syndrome with predominantly lower limb involvement; Hereditary sensory and autonomic neuropathy type 7. Last evaluated: 2022-10-25. Review status: criteria provided, single submitter. Criteria: Invitae Variant Classification Sherloc (09022015). Collection method: clinical testing. Allele origin: germline.
Comment: This variant has not been reported in the literature in individuals affected with SCN11A-related conditions. In summary, the available evidence is currently insufficient to determine the role of this variant in disease. Therefore, it has been classified as a Variant of Uncertain Significance. Advanced modeling of protein sequence and biophysical properties (such as structural, functional, and spatial information, amino acid conservation, physicochemical variation, residue mobility, and thermodynamic stability) performed at Invitae indicates that this missense variant is not expected to disrupt SCN11A protein function. ClinVar contains an entry for this variant (Variation ID: 953662). This variant is not present in population databases (gnomAD no frequency). This sequence change replaces alanine, which is neutral and non-polar, with valine, which is neutral and non-polar, at codon 1157 of the SCN11A protein (p.Ala1157Val).

NM_001349253.2(SCN11A):c.3470C>T (p.Ala1157Val)

Gene: SCN11A (sodium voltage-gated channel alpha subunit 11; minus strand). Cytogenetic location: 3p22.2.
Variant type: single nucleotide variant.
Coding change: c.3470C>T on transcript NM_001349253.2 (MANE Select); coding-DNA position 3470, C replaced by T.
Protein change: p.Ala1157Val; replaces alanine 1157 with valine.
Molecular consequence: missense variant.
Genome position (GRCh38, 1-based): chr3:38,872,218, G>A on the plus strand (C>T on the coding strand, the complement: SCN11A is on the minus strand). VCF-style: chr3-38872218-G-A. GRCh37 (hg19) VCF-style: chr3-38913709-G-A.
Other names: c.3470C>T, p.Ala1157Val (NM_014139.3); short protein forms A1157V.
Identifiers: ClinVar variation 953662 (VCV000953662.6), dbSNP rs1359085925, ClinGen allele CA352171301.